The following is an entry in ClinVar:

NM_000103.4(CYP19A1):c.712del (p.Ser238fs)

Genes: PIRC66 (piwi-interacting RNA cluster 66; plus strand), CYP19A1 (cytochrome P450 family 19 subfamily A member 1; minus strand), MIR4713HG (MIR4713 host gene; plus strand). Cytogenetic location: 15q21.2.
Variant type: Deletion.
Coding change: c.712del on transcript NM_000103.4 (MANE Select); coding-DNA position 712, one base deleted (T; older notation c.712delT).
Protein change: p.Ser238fs; shifts the reading frame from serine 238.
Molecular consequence: frameshift variant.
Genome position (GRCh38, 1-based): chr15:51,218,572, A deleted on the plus strand (T on the coding strand, the reverse complement: CYP19A1 is on the minus strand); the first of 3 consecutive A bases (chr15:51,218,572-51,218,574); deleting any one gives the same sequence. VCF-style (leftmost placement, unchanged base first): chr15-51218571-GA-G. GRCh37 (hg19) VCF-style: chr15-51510768-GA-G.
Other names: c.712del, p.Ser238fs (NM_001347248.1, NM_001347249.2, NM_001347250.2 and 7 more transcripts); short protein forms S238fs.
Identifiers: ClinVar variation 2099819 (VCV002099819.4), dbSNP rs2542412670, ClinGen allele CA645576550.

ClinVar aggregate classification (germline): Pathogenic (1 of 4 stars; one submission).

Submission:

Labcorp Genetics (formerly Invitae), Labcorp
Classification: Pathogenic. Last evaluated: 2022-03-02. Review status: criteria provided, single submitter. Criteria: Invitae Variant Classification Sherloc (09022015). Collection method: clinical testing. Allele origin: germline.
Comment: For these reasons, this variant has been classified as Pathogenic. This variant has not been reported in the literature in individuals affected with CYP19A1-related conditions. This variant is not present in population databases (gnomAD no frequency). This sequence change creates a premature translational stop signal (p.Ser238Leufs*14) in the CYP19A1 gene. It is expected to result in an absent or disrupted protein product. Loss-of-function variants in CYP19A1 are known to be pathogenic (PMID: 14602738, 27086564, 27256151).

Literature cited by the submitters: PubMed 14602738; PubMed 27086564; PubMed 27256151.